The following is an entry in ClinVar:

NM_004186.5(SEMA3F):c.936C>A (p.Asn312Lys)

Gene: SEMA3F (semaphorin 3F; plus strand). Cytogenetic location: 3p21.31.
Variant type: single nucleotide variant.
Coding change: c.936C>A on transcript NM_004186.5 (MANE Select); coding-DNA position 936, C replaced by A.
Protein change: p.Asn312Lys; replaces asparagine 312 with lysine.
Molecular consequence: missense variant.
Genome position (GRCh38, 1-based): chr3:50,182,936, C>A. VCF-style: chr3-50182936-C-A. GRCh37 (hg19) VCF-style: chr3-50220369-C-A.
Other names: c.639C>A, p.Asn213Lys (NM_001318798.2); c.843C>A, p.Asn281Lys (NM_001318800.2); short protein forms N312K, N281K, N213K.
Identifiers: ClinVar variation 4986280 (VCV004986280.1).

ClinVar aggregate classification (germline): Uncertain significance (1 of 4 stars; one submission).

Conditions:
SEMA3F-related disorder. Also called: SEMA3F-related condition.

gnomAD v4.1: 8 of 1,614,050 alleles (0.0005%); highest among the groups gnomAD compares: South Asian, 0.0011%; no homozygotes.

Submission:

PreventionGenetics, part of Exact Sciences
Classification: Uncertain significance for SEMA3F-related condition. Last evaluated: 2026-06-21. Review status: criteria provided, single submitter. Criteria: ACMG Guidelines, 2015. Collection method: clinical testing. Allele origin: germline.
Comment: The SEMA3F c.936C>A variant is predicted to result in the amino acid substitution p.Asn312Lys. To our knowledge, this variant has not been reported in the literature. This variant is reported in 0.0033% of alleles in individuals of South Asian descent in gnomAD. At this time, the clinical significance of this variant is uncertain due to the absence of conclusive functional and genetic evidence.